The following is an entry in ClinVar:

NM_001127222.2(CACNA1A):c.3693-20C>T

Gene: CACNA1A (calcium voltage-gated channel subunit alpha1 A; minus strand). Cytogenetic location: 19p13.13.
Variant type: single nucleotide variant.
Coding change: c.3693-20C>T on transcript NM_001127222.2 (MANE Select); 20 bases into the intron before coding-DNA position 3693, C replaced by T.
Molecular consequence: intron variant.
Genome position (GRCh38, 1-based): chr19:13,283,416, G>A on the plus strand (C>T on the coding strand, the complement: CACNA1A is on the minus strand). VCF-style: chr19-13283416-G-A. GRCh37 (hg19) VCF-style: chr19-13394230-G-A.
Other names: c.3696-20C>T (NM_001127221.2, NM_001174080.2); c.3705-20C>T (NM_000068.4, NM_023035.3).
Identifiers: ClinVar variation 669102 (VCV000669102.10), dbSNP rs200082880, ClinGen allele CA9240211.

ClinVar aggregate classification (germline): Benign/Likely benign. Review status: criteria provided, multiple submitters, no conflicts (2 of 4 stars). 3 submissions from 3 submitters: Benign (1); Likely benign (2). Last evaluated 2025-06-22.

Conditions:
Developmental and epileptic encephalopathy, 42 (DEE42A). Also called: Epileptic encephalopathy, early infantile, 42; DEVELOPMENTAL AND EPILEPTIC ENCEPHALOPATHY 42A; EPILEPTIC ENCEPHALOPATHY, EARLY INFANTILE, 42A. Identifiers: MedGen C4310716, MONDO:0014917, OMIM 617106.
Episodic ataxia type 2 (EA2). Also called: EPISODIC ATAXIA, NYSTAGMUS-ASSOCIATED; ATAXIA, EPISODIC, WITH NYSTAGMUS; ATAXIA, FAMILIAL PAROXYSMAL; CEREBELLAR ATAXIA, PAROXYSMAL, ACETAZOLAMIDE-RESPONSIVE; CEREBELLOPATHY, HEREDITARY PAROXYSMAL; ACETAZOLAMIDE-RESPONSIVE HEREDITARY PAROXYSMAL CEREBELLAR ATAXIA. Identifiers: Orphanet 97, MedGen C1720416, MONDO:0007163, OMIM 108500.

Allele frequency attached by ClinVar (database versions not stated): TOPMed 0.00006; gnomAD 0.00048.
gnomAD v4.1: 456 of 1,613,468 alleles (0.028%); highest among the groups gnomAD compares: Non-Finnish European, 0.015%; no homozygotes.

Submissions (3):

Labcorp Genetics (formerly Invitae), Labcorp
Classification: Benign for Developmental and epileptic encephalopathy, 42; Episodic ataxia type 2. Last evaluated: 2025-06-22. Review status: criteria provided, single submitter. Criteria: Invitae Variant Classification Sherloc (09022015). Collection method: clinical testing. Allele origin: germline.

Blueprint Genetics
Classification: Likely benign. Last evaluated: 2024-11-21. Review status: criteria provided, single submitter. Criteria: ACMG Guidelines, 2015. Collection method: clinical testing. Allele origin: germline.

GeneDx
Classification: Likely benign. Last evaluated: 2018-05-25. Review status: criteria provided, single submitter. Criteria: GeneDx Variant Classification (06012015). Collection method: clinical testing. Allele origin: germline. Affected: yes.
Comment: This variant is considered likely benign or benign based on one or more of the following criteria: it is a conservative change, it occurs at a poorly conserved position in the protein, it is predicted to be benign by multiple in silico algorithms, and/or has population frequency not consistent with disease.